The following is an entry in ClinVar:

ClinVar aggregate classification (germline): Uncertain significance (1 of 4 stars; one submission).

Conditions:
Hereditary cancer-predisposing syndrome. Also called: Neoplastic Syndromes, Hereditary; Tumor predisposition; Hereditary Cancer Syndrome; Hereditary neoplastic syndrome. Identifiers: Orphanet 140162, MedGen C0027672, MeSH D009386, MONDO:0015356.

Submission:

Ambry Genetics
Classification: Uncertain significance for Hereditary cancer-predisposing syndrome. Last evaluated: 2026-05-02. Review status: criteria provided, single submitter. Criteria: Ambry Variant Classification Scheme 2023. Collection method: clinical testing. Allele origin: germline.
Comment: The p.P472T variant (also known as c.1414C>A), located in coding exon 3 of the MET gene, results from a C to A substitution at nucleotide position 1414. The proline at codon 472 is replaced by threonine, an amino acid with highly similar properties. This amino acid position is conserved. In addition, this alteration is predicted to be tolerated by in silico analysis. Based on the available evidence, the clinical significance of this variant remains unclear.

NM_000245.4(MET):c.1414C>A (p.Pro472Thr)

Gene: MET (MET proto-oncogene, receptor tyrosine kinase; plus strand). Cytogenetic location: 7q31.2.
Variant type: single nucleotide variant.
Coding change: c.1414C>A on transcript NM_000245.4 (MANE Select); coding-DNA position 1414, C replaced by A.
Protein change: p.Pro472Thr; replaces proline 472 with threonine.
Molecular consequence: missense variant.
Genome position (GRCh38, 1-based): chr7:116,739,971, C>A. VCF-style: chr7-116739971-C-A. GRCh37 (hg19) VCF-style: chr7-116380025-C-A.
Other names: c.1414C>A, p.Pro472Thr (NM_001127500.3, NM_001324401.3); c.124C>A, p.Pro42Thr (NM_001324402.2); short protein forms P42T, P472T.
Identifiers: ClinVar variation 4859930 (VCV004859930.1).